The following is an entry in ClinVar:

ClinVar aggregate classification (germline): Pathogenic. Review status: reviewed by expert panel (3 of 4 stars). 14 submissions from 14 submitters: Pathogenic (1). 13 of the submissions do not count toward it. Last evaluated 2016-09-08.

Conditions:
Pancreatic cancer, susceptibility to, 2. Identifiers: Orphanet 1333, MedGen C3150546, MONDO:0013235, OMIM 613347.
Glioma susceptibility 3 (GLM3). Also called: Glioblastoma 3. Identifiers: Orphanet 182067, Orphanet 360, MedGen C2751641, MONDO:0013093, OMIM 613029.
Familial prostate cancer. Also called: Hereditary Prostate Cancer. Identifiers: MedGen C2931456, MONDO:0700275, OMIM 176807.
Breast-ovarian cancer, familial, susceptibility to, 2 (BROVCA2). Also called: BRCA2 Hereditary Breast and Ovarian Cancer. Identifiers: Orphanet 145, MedGen C2675520, MONDO:0012933, OMIM 612555. Disease mechanism: loss of function.
Fanconi anemia complementation group D1. Also called: BRCA2-Related Fanconi Anemia. Identifiers: Orphanet 319462, MedGen C1838457, MONDO:0011584, OMIM 605724.
Medulloblastoma (MDB). Also called: Medulloblastoma, somatic; MEDULLOBLASTOMA PREDISPOSITION SYNDROME. Identifiers: Orphanet 616, MedGen C0025149, MeSH D008527, MONDO:0007959, OMIM 155255, HP:0002885.
Wilms tumor 1 (WT1). Also called: Wilms tumor, somatic. Identifiers: Orphanet 654, MedGen CN033288, MONDO:0008679, OMIM 194070.
Familial cancer of breast. Also called: BREAST CANCER, FAMILIAL; hereditary breast carcinoma; Hereditary breast cancer. Identifiers: Orphanet 227535, MedGen C0346153, MONDO:0016419, OMIM 114480. Disease mechanism: loss of function.
Hereditary cancer-predisposing syndrome. Also called: Neoplastic Syndromes, Hereditary; Tumor predisposition; Hereditary Cancer Syndrome; Hereditary neoplastic syndrome. Identifiers: Orphanet 140162, MedGen C0027672, MeSH D009386, MONDO:0015356.
Hereditary breast ovarian cancer syndrome. Also called: Breast and ovarian cancer; Hereditary breast and ovarian cancer; Hereditary breast and ovarian cancer syndrome (HBOC); Hereditary breast and ovarian cancer syndrome; BRCA1- and BRCA2-Associated Hereditary Breast and Ovarian Cancer; Hereditary breast and/or ovarian cancer syndrome. Identifiers: Orphanet 145, MedGen C0677776, MeSH D061325, MONDO:0003582. Disease mechanism: loss of function.

Allele frequency attached by ClinVar (database versions not stated): gnomAD exomes below 0.00001; gnomAD 0.00001.

Submissions (14):

Evidence-based Network for the Interpretation of Germline Mutant Alleles (ENIGMA)
Classification: Pathogenic for Breast-ovarian cancer, familial, susceptibility to, 2. Last evaluated: 2016-09-08. Review status: reviewed by expert panel. Criteria: ENIGMA BRCA1/2 Classification Criteria (2015). Collection method: curation. Allele origin: germline.
Comment: Variant allele predicted to encode a truncated non-functional protein.

Labcorp Genetics (formerly Invitae), Labcorp
Classification: Pathogenic for Hereditary breast ovarian cancer syndrome. Last evaluated: 2025-12-24. Review status: criteria provided, single submitter. Criteria: Invitae Variant Classification Sherloc (09022015). Collection method: clinical testing. Allele origin: germline. Not counted in ClinVar's aggregate classification.
Comment: This sequence change creates a premature translational stop signal (p.Leu1491Glnfs*12) in the BRCA2 gene. It is expected to result in an absent or disrupted protein product. Loss-of-function variants in BRCA2 are known to be pathogenic (PMID: 20104584). This variant is not present in population databases (gnomAD no frequency). This premature translational stop signal has been observed in individual(s) with breast and ovarian cancer (PMID: 24504028, 24728189). This variant is also known as 4700del4. ClinVar contains an entry for this variant (Variation ID: 37906). For these reasons, this variant has been classified as Pathogenic.

Ambry Genetics
Classification: Pathogenic for Hereditary cancer-predisposing syndrome. Last evaluated: 2025-10-06. Review status: criteria provided, single submitter. Criteria: Ambry Variant Classification Scheme 2023. Collection method: clinical testing. Allele origin: germline. Not counted in ClinVar's aggregate classification.
Comment: The c.4472_4475delTGAA (p.L1491Qfs*12) alteration, located in exon 11 (coding exon 10) of the BRCA2 gene, consists of a deletion of 4 nucleotides from position 4472 to 4475, causing a translational frameshift with a predicted alternate stop codon after 12 amino acids. This alteration is expected to result in loss of function by premature protein truncation or nonsense-mediated mRNA decay. This variant was not reported in population-based cohorts in the Genome Aggregation Database (gnomAD). This alteration has been reported in multiple cohorts of individuals diagnosed with breast, ovarian and prostate cancer (Cunningham, 2014; Song, 2014; Pritchard, 2016; Yadav, 2020). This alteration was also identified in a large, worldwide study of BRCA1/2 mutation positive families (Rebbeck, 2018). Of note, this alteration is also designated as 1491_1492del in published literature. Based on the available evidence, this alteration is classified as pathogenic.

Fulgent Genetics
Classification: Pathogenic for Familial cancer of breast; Medulloblastoma; Familial prostate cancer; Wilms tumor 1; Fanconi anemia complementation group D1; Breast-ovarian cancer, familial, susceptibility to, 2; Glioma susceptibility 3; Pancreatic cancer, susceptibility to, 2. Last evaluated: 2024-05-23. Review status: criteria provided, single submitter. Criteria: ACMG Guidelines, 2015. Collection method: clinical testing. Allele origin: germline. Not counted in ClinVar's aggregate classification.

Mayo Clinic Laboratories, Mayo Clinic
Classification: Pathogenic. Last evaluated: 2023-11-21. Review status: criteria provided, single submitter. Criteria: ACMG Guidelines, 2015. Collection method: clinical testing. Allele origin: germline. Observed: 1 variant allele. Not counted in ClinVar's aggregate classification.
Comment: PM2, PM5_strong, PVS1

Revvity Omics, Revvity
Classification: Pathogenic. Last evaluated: 2022-10-28. Review status: criteria provided, single submitter. Criteria: ACMG Guidelines, 2015. Collection method: clinical testing. Allele origin: germline. Not counted in ClinVar's aggregate classification.

Women's Health and Genetics/Laboratory Corporation of America, LabCorp
Classification: Pathogenic for Hereditary breast ovarian cancer syndrome. Last evaluated: 2021-02-07. Review status: criteria provided, single submitter. Criteria: LabCorp Variant Classification Summary - May 2015. Collection method: clinical testing. Allele origin: germline. Not counted in ClinVar's aggregate classification.
Comment: Variant summary: BRCA2 c.4472_4475delTGAA (p.Leu1491GlnfsX12) results in a premature termination codon, predicted to cause a truncation of the encoded protein or absence of the protein due to nonsense mediated decay, which are commonly known mechanisms for disease. Truncations downstream of this position have been classified as pathogenic by our laboratory. The variant was absent in 253484 control chromosomes. c.4472_4475delTGAA has been reported in the literature in multiple individuals affected with Hereditary Breast And Ovarian Cancer Syndrome (example, Rebbeck_2018). These data indicate that the variant is very likely to be associated with disease. To our knowledge, no experimental evidence demonstrating an impact on protein function has been reported. Multiple clinical diagnostic laboratories and one expert panel (ENIGMA) have submitted clinical-significance assessments for this variant to ClinVar after 2014 without evidence for independent evaluation. All submitters classified the variant as pathogenic. Based on the evidence outlined above, the variant was classified as pathogenic.

Quest Diagnostics Nichols Institute San Juan Capistrano
Classification: Pathogenic. Last evaluated: 2020-10-16. Review status: criteria provided, single submitter. Criteria: Quest Diagnostics criteria. Collection method: clinical testing. Allele origin: unknown. Not counted in ClinVar's aggregate classification.
Comment: This frameshift variant causes the premature termination of BRCA2 protein synthesis. In addition, it has been reported in individuals affected with ovarian and prostate cancer in the published literature (PMIDs: 24504028 (2014), 24728189 (2014), and 27433846 (2016)). This variant has not been reported in large, multi-ethnic general populations. Therefore, the variant is classified as pathogenic.

Color Diagnostics, LLC DBA Color Health
Classification: Pathogenic for Hereditary cancer-predisposing syndrome. Last evaluated: 2020-01-15. Review status: criteria provided, single submitter. Criteria: ACMG Guidelines, 2015. Collection method: clinical testing. Allele origin: germline. Not counted in ClinVar's aggregate classification.
Comment: This variant deletes 4 nucleotides in exon 11 of the BRCA2 gene, creating a frameshift and premature translation stop signal. This variant is expected to result in an absent or non-functional protein product. This variant has not been identified in the general population by the Genome Aggregation Database (gnomAD). Loss of BRCA2 function is a known mechanism of disease. Based on the available evidence, this variant is classified as Pathogenic.

Human Genome Sequencing Center Clinical Lab, Baylor College of Medicine
Classification: Pathogenic for Breast-ovarian cancer, familial, susceptibility to, 2. Last evaluated: 2018-04-27. Review status: criteria provided, single submitter. Criteria: ACMG Guidelines, 2015. Collection method: clinical testing. Allele origin: germline. Not counted in ClinVar's aggregate classification.
Comment: This variant has been previously described in an individual with prostate cancer and epithelial ovarian cancer (PMID: 27433846, 24504028). Therefore, we consider this variant to be pathogenic. [yunyun, 2018-04-10]

GeneDx
Classification: Pathogenic. Last evaluated: 2017-03-06. Review status: criteria provided, single submitter. Criteria: GeneDx Variant Classification (06012015). Collection method: clinical testing. Allele origin: germline. Affected: yes. Not counted in ClinVar's aggregate classification.
Comment: This deletion of four nucleotides in BRCA2 is denoted c.4472_4475delTGAA at the cDNA level and p.Leu1491GlnfsX12 (L1491QfsX12) at the protein level. Using alternate nomenclature, this variant would be defined as BRCA2 4700delTGAA or 4700del4. The normal sequence, with the bases that are deleted in brackets, is ATAC[delTGAA]AGAA. The deletion causes a frameshift, which changes a Leucine to a Glutamine at codon 1491, and creates a premature stop codon at position 12 of the new reading frame. This variant is predicted to cause loss of normal protein function through either protein truncation or nonsense-mediated mRNA decay. BRCA2 4472_4475delTGAA has been observed in association with ovarian and prostate cancer (Song 2014, Pritchard 2016). We consider this variant to be pathogenic.

Consortium of Investigators of Modifiers of BRCA1/2 (CIMBA), c/o University of Cambridge
Classification: Pathogenic for Breast-ovarian cancer, familial, susceptibility to, 2. Last evaluated: 2015-10-02. Review status: criteria provided, single submitter. Criteria: CIMBA Mutation Classification guidelines May 2016. Collection method: clinical testing. Allele origin: germline. Not counted in ClinVar's aggregate classification.

Sharing Clinical Reports Project (SCRP)
Classification: Pathogenic for Breast-ovarian cancer, familial 2. Last evaluated: 2012-07-06. Review status: no assertion criteria provided. Collection method: clinical testing. Allele origin: germline. Not counted in ClinVar's aggregate classification.

Breast Cancer Information Core (BIC) (BRCA2)
Classification: Pathogenic for Breast-ovarian cancer, familial 2. Last evaluated: 2002-06-20. Review status: no assertion criteria provided. Collection method: clinical testing. Allele origin: germline. Affected: yes. Observed: 2 variant alleles. Not counted in ClinVar's aggregate classification.

Literature cited by the submitters: PubMed 20104584 (cited by Labcorp Genetics (formerly Invitae), Labcorp); PubMed 24504028 (cited by 5 submitters); PubMed 24728189 (cited by 5 submitters); PubMed 27433846 (cited by 3 submitters); PubMed 29446198 (cited by 3 submitters); PubMed 32125938 (cited by Ambry Genetics and Mayo Clinic Laboratories, Mayo Clinic); PubMed 20960027 (cited by Women's Health and Genetics/Laboratory Corporation of America, LabCorp); PubMed 26000489 (cited by Women's Health and Genetics/Laboratory Corporation of America, LabCorp).

NM_000059.4(BRCA2):c.4472_4475del (p.Leu1491fs)

Gene: BRCA2 (BRCA2 DNA repair associated; plus strand). Cytogenetic location: 13q13.1.
Variant type: Deletion.
Coding change: c.4472_4475del on transcript NM_000059.4 (MANE Select); coding-DNA positions 4472 to 4475, 4 bases deleted (TGAA; older notation c.4472_4475delTGAA).
Protein change: p.Leu1491fs; shifts the reading frame from leucine 1491.
Molecular consequence: frameshift variant.
Genome position (GRCh38, 1-based): chr13:32,338,827-32,338,830, TGAA deleted. VCF-style (leftmost placement, unchanged base first): chr13-32338826-CTGAA-C. GRCh37 (hg19) VCF-style: chr13-32912963-CTGAA-C.
Other names: p.Leu1491Glnfs*12; 4700del4; c.4472_4475delTGAA (NM_000059.3).
Identifiers: ClinVar variation 37906 (VCV000037906.30), dbSNP rs80359452, ClinGen allele CA020231.
Genomic context (GRCh38, chr13:32,338,826, plus strand): 5'-AGAAAGAACAAAATGGACATTCTAAGTTATGAGGAAACAGACATAGTTAAACACAAAATA[CTGAA>C]AGAAAGTGTCCCAGTTGGTACTGGAAATCAACTAGTGACCTTCCAGGGACAACCCGAACG-3'